The following is an entry in ClinVar:

ClinVar aggregate classification (germline): Uncertain significance (1 of 4 stars; one submission).

Submission:

Labcorp Genetics (formerly Invitae), Labcorp
Classification: Uncertain significance. Last evaluated: 2026-01-24. Review status: criteria provided, single submitter. Criteria: Invitae Variant Classification Sherloc (09022015). Collection method: clinical testing. Allele origin: germline.
Comment: This sequence change replaces serine, which is neutral and polar, with glycine, which is neutral and non-polar, at codon 938 of the ROBO2 protein (p.Ser938Gly). This variant is not present in population databases (gnomAD no frequency). This variant has not been reported in the literature in individuals affected with ROBO2-related conditions. Invitae Evidence Modeling of protein sequence and biophysical properties (such as structural, functional, and spatial information, amino acid conservation, physicochemical variation, residue mobility, and thermodynamic stability) indicates that this missense variant is not expected to disrupt ROBO2 protein function with a negative predictive value of 95%. In summary, the available evidence is currently insufficient to determine the role of this variant in disease. Therefore, it has been classified as a Variant of Uncertain Significance.

NM_001395656.1(ROBO2):c.2824A>G (p.Ser942Gly)

Gene: ROBO2 (roundabout guidance receptor 2; plus strand). Cytogenetic location: 3p12.3.
Variant type: single nucleotide variant.
Coding change: c.2824A>G on transcript NM_001395656.1 (MANE Select); coding-DNA position 2824, A replaced by G.
Protein change: p.Ser942Gly; replaces serine 942 with glycine.
Molecular consequence: missense variant.
Genome position (GRCh38, 1-based): chr3:77,596,708, A>G. VCF-style: chr3-77596708-A-G. GRCh37 (hg19) VCF-style: chr3-77645859-A-G.
Other names: c.2860A>G, p.Ser954Gly (NM_001128929.3); c.2824A>G, p.Ser942Gly (NM_001290039.2, NM_001290040.2, NM_001378202.1); c.1033A>G, p.Ser345Gly (NM_001290065.2); c.2872A>G, p.Ser958Gly (NM_001378190.1, NM_001378191.1, NM_001378195.1 and 4 more transcripts); c.2893A>G, p.Ser965Gly (NM_001378192.1, NM_001378194.1, NM_001378198.1 and 2 more transcripts); c.2812A>G, p.Ser938Gly (NM_001378193.1, NM_001378197.1, NM_002942.5); c.2881A>G, p.Ser961Gly (NM_001394212.1, NM_001394214.1, NM_001395657.1); short protein forms S345G, S938G, S942G, S954G, S958G, S961G, S965G.
Identifiers: ClinVar variation 4801741 (VCV004801741.1).